The following is an entry in ClinVar:

ClinVar aggregate classification (germline): Uncertain significance (1 of 4 stars; one submission).

Conditions:
Inborn genetic diseases. Identifiers: MedGen C0950123, MeSH D030342.

Submission:

Ambry Genetics
Classification: Uncertain significance for Inborn genetic diseases. Last evaluated: 2026-06-24. Review status: criteria provided, single submitter. Criteria: Ambry Variant Classification Scheme 2023. Collection method: clinical testing. Allele origin: germline.
Comment: The p.D1169E variant (also known as c.3507C>A), located in coding exon 24 of the ANKRD26 gene, results from a C to A substitution at nucleotide position 3507. The aspartic acid at codon 1169 is replaced by glutamic acid, an amino acid with highly similar properties. This amino acid position is conserved. In addition, this alteration is predicted to be tolerated by in silico analysis. Based on the available evidence, the clinical significance of this variant remains unclear.

NM_014915.3(ANKRD26):c.3507C>A (p.Asp1169Glu)

Gene: ANKRD26 (ankyrin repeat domain 26; minus strand). Cytogenetic location: 10p12.1.
Variant type: single nucleotide variant.
Coding change: c.3507C>A on transcript NM_014915.3 (MANE Select); coding-DNA position 3507, C replaced by A.
Protein change: p.Asp1169Glu; replaces aspartic acid 1169 with glutamic acid.
Molecular consequence: missense variant.
Genome position (GRCh38, 1-based): chr10:27,034,943, G>T on the plus strand (C>A on the coding strand, the complement: ANKRD26 is on the minus strand). VCF-style: chr10-27034943-G-T. GRCh37 (hg19) VCF-style: chr10-27323872-G-T.
Other names: c.3504C>A, p.Asp1168Glu (NM_001256053.2); short protein forms D1168E, D1169E.
Identifiers: ClinVar variation 5022869 (VCV005022869.1).
Genomic context (GRCh38, chr10:27,034,943, plus strand): 5'-TAGCAGAAGACTTTGCTTTTCACTCTCAGCTTGAAGTTTTTGCACAATAGCATGAAACTG[G>T]TCTTGGATATTAATCACTGTCTTCTCTTTATTGTCAGCCTTGTTGTGGGCATCATCCAGT-3'
Protein context (NP_055730.2, residues 1159-1179): NKEKTVINIQ[Asp1169Glu]QFHAIVQKLQ